The following is an entry in ClinVar:

ClinVar aggregate classification (germline): Likely benign. Review status: criteria provided, single submitter (1 of 4 stars). 2 submissions from 2 submitters: Likely benign (1). 1 of the submissions does not count toward it. Last evaluated 2025-03-13.

Conditions:
TTN-related disorder. Also called: TTN-related condition; TTN-related disease; TTN-related disorders.
Dilated cardiomyopathy 1G (CMD1G). Identifiers: Orphanet 154, MedGen C1858763, MONDO:0011400, OMIM 604145.
Autosomal recessive limb-girdle muscular dystrophy type 2J (LGMDR10). Also called: Limb-girdle muscular dystrophy, type 2J; MUSCULAR DYSTROPHY, LIMB-GIRDLE, AUTOSOMAL RECESSIVE 10. Identifiers: Orphanet 140922, MedGen C1837342, MONDO:0012127, OMIM 608807.

Submissions (2):

Labcorp Genetics (formerly Invitae), Labcorp
Classification: Likely benign for Dilated cardiomyopathy 1G; Autosomal recessive limb-girdle muscular dystrophy type 2J. Last evaluated: 2025-03-13. Review status: criteria provided, single submitter. Criteria: Invitae Variant Classification Sherloc (09022015). Collection method: clinical testing. Allele origin: germline.

PreventionGenetics, part of Exact Sciences
Classification: Likely benign for TTN-related condition. Last evaluated: 2023-05-23. Review status: no assertion criteria provided. Collection method: clinical testing. Allele origin: germline. Not counted in ClinVar's aggregate classification.
Comment: This variant is classified as likely benign based on ACMG/AMP sequence variant interpretation guidelines (Richards et al. 2015 PMID: 25741868, with internal and published modifications).

NM_001267550.2(TTN):c.43201C>T (p.Leu14401=)

Gene: TTN (titin; minus strand). Cytogenetic location: 2q31.2.
Variant type: single nucleotide variant.
Coding change: c.43201C>T on transcript NM_001267550.2 (MANE Select); coding-DNA position 43201, C replaced by T.
Protein change: p.Leu14401=; no amino-acid change (leucine 14401 retained).
Molecular consequence: synonymous variant.
Genome position (GRCh38, 1-based): chr2:178,632,930, G>A on the plus strand (C>T on the coding strand, the complement: TTN is on the minus strand). VCF-style: chr2-178632930-G-A. GRCh37 (hg19) VCF-style: chr2-179497657-G-A.
Other names: c.38278C>T, p.Leu12760= (NM_001256850.1); c.16006C>T, p.Leu5336= (NM_003319.4); c.35497C>T, p.Leu11833= (NM_133378.4); c.16381C>T, p.Leu5461= (NM_133432.3); c.16582C>T, p.Leu5528= (NM_133437.4).
Identifiers: ClinVar variation 3054442 (VCV003054442.3), dbSNP rs2471485150, ClinGen allele CA430276877.